The following is an entry in ClinVar:

NM_020919.4(ALS2):c.1171G>T (p.Ala391Ser)

Gene: ALS2 (alsin Rho guanine nucleotide exchange factor ALS2; minus strand). Cytogenetic location: 2q33.1.
Variant type: single nucleotide variant.
Coding change: c.1171G>T on transcript NM_020919.4 (MANE Select); coding-DNA position 1171, G replaced by T.
Protein change: p.Ala391Ser; replaces alanine 391 with serine.
Molecular consequence: missense variant.
Genome position (GRCh38, 1-based): chr2:201,757,702, C>A on the plus strand (G>T on the coding strand, the complement: ALS2 is on the minus strand). VCF-style: chr2-201757702-C-A. GRCh37 (hg19) VCF-style: chr2-202622425-C-A.
Other names: short protein forms A391S.
Identifiers: ClinVar variation 1355522 (VCV001355522.6), dbSNP rs41308816, ClinGen allele CA350327096.

ClinVar aggregate classification (germline): Uncertain significance (1 of 4 stars; one submission).

Conditions:
Infantile-onset ascending hereditary spastic paralysis (IAHSP). Also called: Infantile-Onset Ascending Hereditary Spastic Paralysis (IAHSP); Autosomal Recessive Juvenile Amyotrophic Lateral Sclerosis. Identifiers: Orphanet 293168, MedGen C2931441, MONDO:0011797, OMIM 607225. Disease mechanism: loss of function.

Submission:

Labcorp Genetics (formerly Invitae), Labcorp
Classification: Uncertain significance for Infantile-onset ascending hereditary spastic paralysis. Last evaluated: 2021-12-11. Review status: criteria provided, single submitter. Criteria: Invitae Variant Classification Sherloc (09022015). Collection method: clinical testing. Allele origin: germline.
Comment: In summary, the available evidence is currently insufficient to determine the role of this variant in disease. Therefore, it has been classified as a Variant of Uncertain Significance. Algorithms developed to predict the effect of missense changes on protein structure and function (SIFT, PolyPhen-2, Align-GVGD) all suggest that this variant is likely to be tolerated. This variant has not been reported in the literature in individuals affected with ALS2-related conditions. This variant is not present in population databases (gnomAD no frequency). This sequence change replaces alanine, which is neutral and non-polar, with serine, which is neutral and polar, at codon 391 of the ALS2 protein (p.Ala391Ser).